The following is an entry in ClinVar:

ClinVar aggregate classification (germline): Conflicting classifications of pathogenicity. Review status: criteria provided, conflicting classifications (1 of 4 stars). 3 submissions from 3 submitters: Uncertain significance (1); Likely benign (2). Last evaluated 2026-09-10.

Conditions:
Inborn genetic diseases. Identifiers: MedGen C0950123, MeSH D030342.
THBD-related disorder. Also called: THBD-related condition.

Allele frequency attached by ClinVar (database versions not stated): gnomAD 0.00002; gnomAD exomes 0.00004; TOPMed 0.00010; ExAC 0.00031.

Submissions (3):

PreventionGenetics, part of Exact Sciences
Classification: Likely benign for THBD-related condition. Last evaluated: 2026-09-10. Review status: criteria provided, single submitter. Criteria: ACMG Guidelines, 2015. Collection method: clinical testing. Allele origin: germline.
Comment: This variant is classified as likely benign based on ACMG/AMP sequence variant interpretation guidelines (Richards et al. 2015 PMID: 25741868, with internal and published modifications).

Labcorp Genetics (formerly Invitae), Labcorp
Classification: Uncertain significance. Last evaluated: 2025-12-29. Review status: criteria provided, single submitter. Criteria: Invitae Variant Classification Sherloc (09022015). Collection method: clinical testing. Allele origin: germline.
Comment: This sequence change replaces histidine, which is basic and polar, with tyrosine, which is neutral and polar, at codon 58 of the THBD protein (p.His58Tyr). This variant is present in population databases (rs755489770, gnomAD 0.06%), and has an allele count higher than expected for a pathogenic variant. This variant has not been reported in the literature in individuals affected with THBD-related conditions. ClinVar contains an entry for this variant (Variation ID: 2188155). Invitae Evidence Modeling of protein sequence and biophysical properties (such as structural, functional, and spatial information, amino acid conservation, physicochemical variation, residue mobility, and thermodynamic stability) indicates that this missense variant is expected to disrupt THBD protein function with a positive predictive value of 80%. In summary, the available evidence is currently insufficient to determine the role of this variant in disease. Therefore, it has been classified as a Variant of Uncertain Significance.

Ambry Genetics
Classification: Likely benign for Inborn genetic diseases. Last evaluated: 2025-11-24. Review status: criteria provided, single submitter. Criteria: Ambry Variant Classification Scheme 2023. Collection method: clinical testing. Allele origin: germline.

NM_000361.3(THBD):c.172C>T (p.His58Tyr)

Gene: THBD (thrombomodulin; minus strand). Cytogenetic location: 20p11.21.
Variant type: single nucleotide variant.
Coding change: c.172C>T on transcript NM_000361.3 (MANE Select); coding-DNA position 172, C replaced by T.
Protein change: p.His58Tyr; replaces histidine 58 with tyrosine.
Molecular consequence: missense variant.
Genome position (GRCh38, 1-based): chr20:23,049,333, G>A on the plus strand (C>T on the coding strand, the complement: THBD is on the minus strand). VCF-style: chr20-23049333-G-A. GRCh37 (hg19) VCF-style: chr20-23029970-G-A.
Other names: short protein forms H58Y.
Identifiers: ClinVar variation 2188155 (VCV002188155.6), dbSNP rs755489770, ClinGen allele CA9787779.
Genomic context (GRCh38, chr20:23,049,333, plus strand): 5'-CGCCGTTCAGTAGCAAGGAAATGACATCGGCAGCCACCGAGGAGCGCACTGTCATTAGGT[G>A]GCCCCGCAGTCCGTCGCAGATCTGACTGGCATTGAGGAAGGTCGCGGGGCCCGGGTAGAG-3'
Protein context (NP_000352.1, residues 48-68): ASQICDGLRG[His58Tyr]LMTVRSSVAA